The following is an entry in ClinVar:

NM_133642.5(LARGE1):c.1525G>A (p.Glu509Lys)

Gene: LARGE1 (LARGE xylosyl- and glucuronyltransferase 1; minus strand). Cytogenetic location: 22q12.3.
Variant type: single nucleotide variant.
Coding change: c.1525G>A on transcript NM_133642.5 (MANE Select); coding-DNA position 1525, G replaced by A.
Protein change: p.Glu509Lys; replaces glutamic acid 509 with lysine.
Molecular consequence: missense variant.
Genome position (GRCh38, 1-based): chr22:33,304,434, C>T on the plus strand (G>A on the coding strand, the complement: LARGE1 is on the minus strand). VCF-style: chr22-33304434-C-T. GRCh37 (hg19) VCF-style: chr22-33700420-C-T.
Other names: c.1525G>A, p.Glu509Lys (NM_001362949.2, NM_001362951.2, NM_001362953.2 and 6 more transcripts); c.1369G>A, p.Glu457Lys (NM_001378629.1); c.922G>A, p.Glu308Lys (NM_001378630.1); c.766G>A, p.Glu256Lys (NM_001378631.1); short protein forms E509K, E256K, E308K, E457K.
Identifiers: ClinVar variation 6216 (VCV000006216.7), dbSNP rs121908675, ClinGen allele CA253822.

ClinVar aggregate classification (germline): Pathogenic/Likely pathogenic. Review status: criteria provided, multiple submitters, no conflicts (2 of 4 stars). 4 submissions from 4 submitters: Pathogenic (1); Likely pathogenic (2). 1 of the submissions does not count toward it. Last evaluated 2025-05-14.

Conditions:
LARGE1-Related Disorders.
LARGE-related disorder. Also called: LARGE-related disorders.
Muscular dystrophy-dystroglycanopathy type B6 (MDDGB6). Also called: MUSCULAR DYSTROPHY, CONGENITAL, LARGE-RELATED; MUSCULAR DYSTROPHY, CONGENITAL, TYPE 1D; MUSCULAR DYSTROPHY-DYSTROGLYCANOPATHY (CONGENITAL WITH IMPAIRED INTELLECTUAL DEVELOPMENT), TYPE B, 6. Identifiers: MedGen C1837229, MONDO:0012138, OMIM 608840.

Allele frequency attached by ClinVar (database versions not stated): ExAC 0.00001; gnomAD 0.00001; gnomAD exomes 0.00001; TOPMed 0.00001.

Submissions (4):

Women's Health and Genetics/Laboratory Corporation of America, LabCorp
Classification: Likely pathogenic for LARGE1-Related Disorders. Last evaluated: 2025-05-14. Review status: criteria provided, single submitter. Criteria: LabCorp Variant Classification Summary - May 2015. Collection method: clinical testing. Allele origin: germline.
Comment: Variant summary: LARGE1 c.1525G>A (p.Glu509Lys) results in a conservative amino acid change in the encoded protein sequence. Algorithms developed to predict the effect of missense changes on protein structure and function are either unavailable or do not agree on the potential impact of this missense change. The variant allele was found at a frequency of 8e-06 in 250922 control chromosomes. c.1525G>A has been observed in compound heterozygous individuals affected with LARGE1-Related Disorders (Longman_2003, Meilleur_2014). These data indicate that the variant may be associated with disease. At least one publication reports experimental evidence evaluating an impact on protein function. The most pronounced variant effect results in mislocalization of the mutant protein and failure of mutant protein to glycosylate alpha-dystroglycan (Brockington_2005). The following publications have been ascertained in the context of this evaluation (PMID: 15661757, 12966029, 24709677). ClinVar contains an entry for this variant (Variation ID: 6216). Based on the evidence outlined above, the variant was classified as likely pathogenic.

Labcorp Genetics (formerly Invitae), Labcorp
Classification: Pathogenic for Muscular dystrophy-dystroglycanopathy type B6. Last evaluated: 2023-12-23. Review status: criteria provided, single submitter. Criteria: Invitae Variant Classification Sherloc (09022015). Collection method: clinical testing. Allele origin: germline.
Comment: This sequence change replaces glutamic acid, which is acidic and polar, with lysine, which is basic and polar, at codon 509 of the LARGE1 protein (p.Glu509Lys). This variant is present in population databases (rs121908675, gnomAD 0.003%). This missense change has been observed in individual(s) with muscular dystrophy-dystroglycanopathy (PMID: 12966029, 24709677). In at least one individual the data is consistent with being in trans (on the opposite chromosome) from a pathogenic variant. ClinVar contains an entry for this variant (Variation ID: 6216). Advanced modeling of protein sequence and biophysical properties (such as structural, functional, and spatial information, amino acid conservation, physicochemical variation, residue mobility, and thermodynamic stability) performed at Invitae indicates that this missense variant is expected to disrupt LARGE1 protein function with a positive predictive value of 80%. Experimental studies have shown that this missense change affects LARGE1 function (PMID: 15661757). For these reasons, this variant has been classified as Pathogenic.

Blueprint Genetics
Classification: Likely pathogenic for LARGE-related disorders. Last evaluated: 2023-07-24. Review status: criteria provided, single submitter. Criteria: ACMG Guidelines, 2015. Collection method: clinical testing. Allele origin: germline. Affected: yes. Observed: 2 variant alleles.

OMIM
Classification: Pathogenic for MUSCULAR DYSTROPHY-DYSTROGLYCANOPATHY (CONGENITAL WITH IMPAIRED INTELLECTUAL DEVELOPMENT), TYPE B, 6. Last evaluated: 2008-11-01. Review status: no assertion criteria provided. Collection method: literature only. Allele origin: germline. Not counted in ClinVar's aggregate classification.

Literature cited by the submitters: PubMed 15661757 (cited by 3 submitters); PubMed 12966029 (cited by 3 submitters); PubMed 24709677 (cited by Women's Health and Genetics/Laboratory Corporation of America, LabCorp and Labcorp Genetics (formerly Invitae), Labcorp); PubMed 19067344 (cited by OMIM).